The following is an entry in ClinVar:

ClinVar aggregate classification (germline): Uncertain significance (1 of 4 stars; one submission).

Conditions:
OTOF-related disorder. Also called: OTOF-related condition.

gnomAD v4.1: 4 of 1,614,146 alleles (0.00025%); highest among the groups gnomAD compares: African/African-American, 0.004%; no homozygotes.

Submission:

PreventionGenetics, part of Exact Sciences
Classification: Uncertain significance for OTOF-related condition. Last evaluated: 2025-01-09. Review status: criteria provided, single submitter. Criteria: ACMG Guidelines, 2015. Collection method: clinical testing. Allele origin: germline.
Comment: The OTOF c.5369A>C variant is predicted to result in the amino acid substitution p.Asn1790Thr. To our knowledge, this variant has not been reported in the literature or in a large population database (gnomAD), indicating this variant is rare. At this time, the clinical significance of this variant is uncertain due to the absence of conclusive functional and genetic evidence.

NM_194248.3(OTOF):c.5369A>C (p.Asn1790Thr)

Gene: OTOF (otoferlin; minus strand). Cytogenetic location: 2p23.3.
Variant type: single nucleotide variant.
Coding change: c.5369A>C on transcript NM_194248.3 (MANE Select); coding-DNA position 5369, A replaced by C.
Protein change: p.Asn1790Thr; replaces asparagine 1790 with threonine.
Molecular consequence: missense variant.
Genome position (GRCh38, 1-based): chr2:26,461,860, T>G on the plus strand (A>C on the coding strand, the complement: OTOF is on the minus strand). VCF-style: chr2-26461860-T-G. GRCh37 (hg19) VCF-style: chr2-26684728-T-G.
Other names: c.5369A>C, p.Asn1790Thr (NM_001287489.2); c.3068A>C, p.Asn1023Thr (NM_004802.4, NM_194323.3); c.3299A>C, p.Asn1100Thr (NM_194322.3); short protein forms N1023T, N1790T, N1100T.
Identifiers: ClinVar variation 4977780 (VCV004977780.1).